The following is an entry in ClinVar:

NM_003060.4(SLC22A5):c.656C>T (p.Thr219Ile)

Gene: SLC22A5 (solute carrier family 22 member 5; plus strand). Cytogenetic location: 5q31.1.
Variant type: single nucleotide variant.
Coding change: c.656C>T on transcript NM_003060.4 (MANE Select); coding-DNA position 656, C replaced by T.
Protein change: p.Thr219Ile; replaces threonine 219 with isoleucine.
Molecular consequence: missense variant.
Genome position (GRCh38, 1-based): chr5:132,385,331, C>T. VCF-style: chr5-132385331-C-T. GRCh37 (hg19) VCF-style: chr5-131721023-C-T.
Other names: c.728C>T, p.Thr243Ile (NM_001308122.2); short protein forms T219I, T243I.
Identifiers: ClinVar variation 1419240 (VCV001419240.8), dbSNP rs2126783561, ClinGen allele CA360804943.

ClinVar aggregate classification (germline): Uncertain significance (1 of 4 stars; one submission).

Conditions:
Renal carnitine transport defect (CDSP). Also called: Systemic primary carnitine deficiency; Primary carnitine deficiency; CARNITINE DEFICIENCY, SYSTEMIC, DUE TO DEFECT IN RENAL REABSORPTION OF CARNITINE; CARNITINE TRANSPORTER, PLASMA-MEMBRANE, DEFICIENCY OF; CARNITINE UPTAKE DEFECT; Carnitine transporter deficiency. Identifiers: Orphanet 158, MedGen C0342788, MONDO:0008919, OMIM 212140.

Submission:

Labcorp Genetics (formerly Invitae), Labcorp
Classification: Uncertain significance for Renal carnitine transport defect. Last evaluated: 2023-03-30. Review status: criteria provided, single submitter. Criteria: Invitae Variant Classification Sherloc (09022015). Collection method: clinical testing. Allele origin: germline.
Comment: In summary, the available evidence is currently insufficient to determine the role of this variant in disease. Therefore, it has been classified as a Variant of Uncertain Significance. Advanced modeling of protein sequence and biophysical properties (such as structural, functional, and spatial information, amino acid conservation, physicochemical variation, residue mobility, and thermodynamic stability) has been performed at Invitae for this missense variant, however the output from this modeling did not meet the statistical confidence thresholds required to predict the impact of this variant on SLC22A5 protein function. ClinVar contains an entry for this variant (Variation ID: 1419240). This variant has not been reported in the literature in individuals affected with SLC22A5-related conditions. This variant is not present in population databases (gnomAD no frequency). This sequence change replaces threonine, which is neutral and polar, with isoleucine, which is neutral and non-polar, at codon 219 of the SLC22A5 protein (p.Thr219Ile).